The following is an entry in ClinVar:

ClinVar aggregate classification (germline): Likely benign. Review status: criteria provided, single submitter (1 of 4 stars). 2 submissions from 2 submitters: Likely benign (1). 1 of the submissions does not count toward it. Last evaluated 2023-11-13.

Conditions:
RAI1-related disorder. Also called: RAI1-related condition.

Allele frequency attached by ClinVar (database versions not stated): TOPMed below 0.00001; gnomAD 0.00001.
gnomAD v4.1: 2 of 1,613,010 alleles (0.00012%); highest among the groups gnomAD compares: African/African-American, 0.0013%; no homozygotes.

Submissions (2):

Labcorp Genetics (formerly Invitae), Labcorp
Classification: Likely benign. Last evaluated: 2023-11-13. Review status: criteria provided, single submitter. Criteria: Invitae Variant Classification Sherloc (09022015). Collection method: clinical testing. Allele origin: germline.

PreventionGenetics, part of Exact Sciences
Classification: Likely benign for RAI1-related condition. Last evaluated: 2020-09-17. Review status: no assertion criteria provided. Collection method: clinical testing. Allele origin: germline. Not counted in ClinVar's aggregate classification.
Comment: This variant is classified as likely benign based on ACMG/AMP sequence variant interpretation guidelines (Richards et al. 2015 PMID: 25741868, with internal and published modifications).

NM_030665.4(RAI1):c.1689C>T (p.Asp563=)

Gene: RAI1 (retinoic acid induced 1; plus strand). Cytogenetic location: 17p11.2.
Variant type: single nucleotide variant.
Coding change: c.1689C>T on transcript NM_030665.4 (MANE Select); coding-DNA position 1689, C replaced by T.
Protein change: p.Asp563=; no amino-acid change (aspartic acid 563 retained).
Molecular consequence: synonymous variant.
Genome position (GRCh38, 1-based): chr17:17,794,637, C>T. VCF-style: chr17-17794637-C-T. GRCh37 (hg19) VCF-style: chr17-17697951-C-T.
Other names: c.1689C>T (NM_030665.3).
Identifiers: ClinVar variation 2895493 (VCV002895493.4), dbSNP rs1344997291, ClinGen allele CA498423606.